The following is an entry in ClinVar:

NM_017780.4(CHD7):c.3112T>C (p.Trp1038Arg)

Gene: CHD7 (chromodomain helicase DNA binding protein 7; plus strand). Cytogenetic location: 8q12.2.
Variant type: single nucleotide variant.
Coding change: c.3112T>C on transcript NM_017780.4 (MANE Select); coding-DNA position 3112, T replaced by C.
Protein change: p.Trp1038Arg; replaces tryptophan 1038 with arginine.
Molecular consequence: missense variant. On other transcripts: intron variant (1).
Genome position (GRCh38, 1-based): chr8:60,822,657, T>C. VCF-style: chr8-60822657-T-C. GRCh37 (hg19) VCF-style: chr8-61735216-T-C.
Other names: c.1717-39572T>C (NM_001316690.1); short protein forms W1038R.
Identifiers: ClinVar variation 4850102 (VCV004850102.1).

ClinVar aggregate classification (germline): Likely pathogenic (1 of 4 stars; one submission).

Conditions:
CHD7-related CHARGE syndrome. Identifiers: MedGen CN380413, MONDO:1010178, OMIM 214800.

Submission:

Institute for Clinical Genetics, University Hospital TU Dresden, University Hospital TU Dresden
Classification: Likely pathogenic for CHD7-related CHARGE syndrome. Last evaluated: 2025-07-01. Review status: criteria provided, single submitter. Criteria: ACMG Guidelines, 2015. Collection method: clinical testing. Allele origin: de novo. Affected: yes.
Comment: The missense variant in the CHD7 gene (NM_017780.4:c.3112T>C, p.(Trp1038Arg)) causes an amino acid substitution at position 1038 in the corresponding protein due to a base substitution at position 3112 of the cDNA. Although the gene empirically shows a general intolerance to missense variants, the affected protein domain does not show any regionally significant intolerance (Z-score >3.09, PMID: 27535533; MCR missense OE > 0.37, PMID: 38645134). Bioinformatic prediction algorithms estimate the effect of the variant on protein function to be strong (REVEL score 0.96, PMID: 27666373), but an actual effect has not yet been functionally investigated. This variant has not yet been classified in the ClinVar database. The variant is not listed in the gnomAD v4.1.0 population database. According to current ACMG recommendations for variant assessment (PMID 25741868), the criteria PS2, PM2_SUP, and PP3_STR are met, resulting in an assessment as a likely pathogenic variant (ACMG class 4).